The following is an entry in ClinVar:

ClinVar aggregate classification (germline): Uncertain significance (1 of 4 stars; one submission).

Conditions:
Long QT syndrome 6 (LQT6). Identifiers: Orphanet 101016, Orphanet 768, MedGen C3150953, MONDO:0013370, OMIM 613693.

Allele frequency attached by ClinVar (database versions not stated): gnomAD exomes below 0.00001; ExAC 0.00001; gnomAD 0.00001.
gnomAD v4.1: 2 of 1,613,688 alleles (0.00012%); highest among the groups gnomAD compares: African/African-American, 0.0027%; no homozygotes.

Submission:

Labcorp Genetics (formerly Invitae), Labcorp
Classification: Uncertain significance for Long QT syndrome 6. Last evaluated: 2022-10-18. Review status: criteria provided, single submitter. Criteria: Invitae Variant Classification Sherloc (09022015). Collection method: clinical testing. Allele origin: germline.
Comment: In summary, the available evidence is currently insufficient to determine the role of this variant in disease. Therefore, it has been classified as a Variant of Uncertain Significance. Algorithms developed to predict the effect of missense changes on protein structure and function are either unavailable or do not agree on the potential impact of this missense change (SIFT: "Deleterious"; PolyPhen-2: "Benign"; Align-GVGD: "Class C0"). ClinVar contains an entry for this variant (Variation ID: 1010050). This variant has not been reported in the literature in individuals affected with KCNE2-related conditions. This variant is present in population databases (rs746625998, gnomAD 0.007%). This sequence change replaces proline, which is neutral and non-polar, with serine, which is neutral and polar, at codon 123 of the KCNE2 protein (p.Pro123Ser).

NM_172201.2(KCNE2):c.367C>T (p.Pro123Ser)

Genes: KCNE2 (potassium voltage-gated channel subfamily E regulatory subunit 2; plus strand), LOC105372791 (uncharacterized LOC105372791; minus strand). Cytogenetic location: 21q22.11.
Variant type: single nucleotide variant.
Coding change: c.367C>T on transcript NM_172201.2 (MANE Select); coding-DNA position 367, C replaced by T.
Protein change: p.Pro123Ser; replaces proline 123 with serine.
Molecular consequence: missense variant.
Genome position (GRCh38, 1-based): chr21:34,370,845, C>T. VCF-style: chr21-34370845-C-T. GRCh37 (hg19) VCF-style: chr21-35743144-C-T.
Other names: short protein forms P123S.
Identifiers: ClinVar variation 1010050 (VCV001010050.9), dbSNP rs746625998, ClinGen allele CA10013450.